The following is an entry in ClinVar:

ClinVar aggregate classification (germline): Uncertain significance. Review status: criteria provided, multiple submitters, no conflicts (2 of 4 stars). 2 submissions from 2 submitters: Uncertain significance (2). Last evaluated 2026-03-31.

Conditions:
CYP7B1-related disorder. Also called: CYP7B1-related condition.
Spastic paraplegia. Identifiers: MedGen C0037772, HP:0001258.

gnomAD v4.1: 6 of 1,512,950 alleles (0.0004%); highest among the groups gnomAD compares: African/African-American, 0.0072%; no homozygotes.

Submissions (2):

PreventionGenetics, part of Exact Sciences
Classification: Uncertain significance for CYP7B1-related condition. Last evaluated: 2026-03-31. Review status: criteria provided, single submitter. Criteria: ACMG Guidelines, 2015. Collection method: clinical testing. Allele origin: germline.
Comment: The CYP7B1 c.110T>A variant is predicted to result in the amino acid substitution p.Val37Asp. To our knowledge, this variant has not been reported in the literature. This variant is reported in 0.0089% of alleles in individuals of African descent in gnomAD. At this time, the clinical significance of this variant is uncertain due to the absence of conclusive functional and genetic evidence.

Labcorp Genetics (formerly Invitae), Labcorp
Classification: Uncertain significance for Spastic paraplegia. Last evaluated: 2022-04-10. Review status: criteria provided, single submitter. Criteria: Invitae Variant Classification Sherloc (09022015). Collection method: clinical testing. Allele origin: germline.
Comment: This sequence change replaces valine, which is neutral and non-polar, with aspartic acid, which is acidic and polar, at codon 37 of the CYP7B1 protein (p.Val37Asp). This variant is not present in population databases (gnomAD no frequency). This variant has not been reported in the literature in individuals affected with CYP7B1-related conditions. Algorithms developed to predict the effect of missense changes on protein structure and function output the following: SIFT: "Tolerated"; PolyPhen-2: "Benign"; Align-GVGD: "Class C0". The aspartic acid amino acid residue is found in multiple mammalian species, which suggests that this missense change does not adversely affect protein function. In summary, the available evidence is currently insufficient to determine the role of this variant in disease. Therefore, it has been classified as a Variant of Uncertain Significance.

NM_004820.5(CYP7B1):c.110T>A (p.Val37Asp)

Gene: CYP7B1 (cytochrome P450 family 7 subfamily B member 1; minus strand). Cytogenetic location: 8q12.3.
Variant type: single nucleotide variant.
Coding change: c.110T>A on transcript NM_004820.5 (MANE Select); coding-DNA position 110, T replaced by A.
Protein change: p.Val37Asp; replaces valine 37 with aspartic acid.
Molecular consequence: missense variant.
Genome position (GRCh38, 1-based): chr8:64,798,478, A>T on the plus strand (T>A on the coding strand, the complement: CYP7B1 is on the minus strand). VCF-style: chr8-64798478-A-T. GRCh37 (hg19) VCF-style: chr8-65711035-A-T.
Other names: c.110T>A, p.Val37Asp (NM_001324112.2); c.110T>A (NM_004820.4); short protein forms V37D.
Identifiers: ClinVar variation 2071257 (VCV002071257.2), dbSNP rs775470839, ClinGen allele CA371408149.
Genomic context (GRCh38, chr8:64,798,478, plus strand): 5'-CCCGCGGGGCCCAGGGCGCATGCGTGGCCTGGCGGCCGAGGCGCTTACCTGGTGCGCCGG[A>T]CAAGCAAGCAGAGGGCCAGGAGCAGCAGGGCCGCGGCGAGGGCCAGGCCCGGGAGGCCCA-3'
Protein context (NP_004811.1, residues 27-47): ALLLLALCLL[Val37Asp]RRTRRPGEPP